The following is an entry in ClinVar:

NM_000214.3(JAG1):c.2016_2019del (p.Ser672fs)

Gene: JAG1 (jagged canonical Notch ligand 1; minus strand). Cytogenetic location: 20p12.2.
Variant type: Deletion.
Coding change: c.2016_2019del on transcript NM_000214.3 (MANE Select); coding-DNA positions 2016 to 2019, 4 bases deleted (CCAG; older notation c.2016_2019delCCAG).
Protein change: p.Ser672fs; shifts the reading frame from serine 672.
Molecular consequence: frameshift variant.
Genome position (GRCh38, 1-based): chr20:10,645,450-10,645,453, CTGG deleted on the plus strand (CCAG on the coding strand, the reverse complement: JAG1 is on the minus strand); deleting any 4 consecutive bases within chr20:10,645,450-10,645,456 gives the same sequence; the c. name uses the placement nearest the transcript's 3' end. VCF-style (leftmost placement, unchanged base first): chr20-10645449-TCTGG-T. GRCh37 (hg19) VCF-style: chr20-10626097-TCTGG-T.
Other names: short protein forms S672fs.
Identifiers: ClinVar variation 4531744 (VCV004531744.1).
Genomic context (GRCh38, chr20:10,645,449, plus strand): 5'-TACAGTCACAGTAGAAGTCATTGACCAGGTCGCGACACGTGCCCCCATTGTGGCAGGGGT[TCTGG>T]CTGCAGTCATTAATATCTAGAATCAAAGGGGAGACAATCGGCTGAAGACGAGATCCAGGA-3'

ClinVar aggregate classification (germline): Pathogenic (1 of 4 stars; one submission).

Conditions:
Alagille syndrome due to a JAG1 point mutation. Also called: HEPATIC DUCTULAR HYPOPLASIA, SYNDROMATIC; Alagille Syndrome 1; JAG1-Related Alagille Syndrome. Identifiers: Orphanet 261619, Orphanet 52, MedGen C1956125, MONDO:0016862, OMIM 118450.

Submission:

Victorian Clinical Genetics Services, Murdoch Childrens Research Institute
Classification: Pathogenic for Alagille syndrome due to a JAG1 point mutation. Last evaluated: 2025-04-14. Review status: criteria provided, single submitter. Criteria: ACMG Guidelines, 2015. Collection method: clinical testing. Allele origin: germline. Affected: yes.
Comment: This variant is classified as Pathogenic. Evidence in support of pathogenic classification: Variant is predicted to cause nonsense-mediated decay (NMD) and loss of protein (premature termination codon is located at least 54 nucleotides upstream of the final exon-exon junction); Variant is absent from gnomAD (v2, v3 and v4); Other variant type variant(s) comparable to the one identified in this case have very strong previous evidence for pathogenicity (DECIPHER); Additional information: This variant is heterozygous; This gene is associated with autosomal dominant disease; Loss of function is a known mechanism of disease in this gene and is associated with Alagille syndrome 1 (MIM#118450) and tetralogy of fallot (MIM#187500). The mechanism for Charcot-Marie-Tooth disease, axonal, type 2HH (MIM#619574) is not clearly established; however, loss of function is suggested (PMID: 32065591).

Literature cited by the submitters: PubMed 32065591.